The following is an entry in ClinVar:

NM_004036.5(ADCY3):c.1197-4G>T

Gene: ADCY3 (adenylate cyclase 3; minus strand). Cytogenetic location: 2p23.3.
Variant type: single nucleotide variant.
Coding change: c.1197-4G>T on transcript NM_004036.5 (MANE Select); 4 bases into the intron before coding-DNA position 1197, G replaced by T.
Molecular consequence: intron variant.
Genome position (GRCh38, 1-based): chr2:24,840,035, C>A on the plus strand (G>T on the coding strand, the complement: ADCY3 is on the minus strand). VCF-style: chr2-24840035-C-A. GRCh37 (hg19) VCF-style: chr2-25062904-C-A.
Other names: c.1197-4G>T (NM_001377130.1, NM_001377129.1, NM_001320613.2 and 2 more transcripts); c.474-4G>T (NM_001377131.1).
Identifiers: ClinVar variation 3353087 (VCV003353087.2).
Genomic context (GRCh38, chr2:24,840,035, plus strand): 5'-CCCGTGTGCACCCCCACACGCATGTCCACCCCAGTCTTGGTCTTCTCCCGCACATACCTG[C>A]CAGGTACACACAGAAAGGAGGGTCAGGGTGTGGCCTTCACGAGGCAGCCAGCTGCCCCTG-3'

ClinVar aggregate classification (germline): Likely benign. Review status: criteria provided, single submitter (1 of 4 stars). 2 submissions from 2 submitters: Likely benign (1). 1 of the submissions does not count toward it. Last evaluated 2025-04-19.

Conditions:
ADCY3-related disorder. Also called: ADCY3-related condition.

gnomAD v4.1: 14 of 1,605,250 alleles (0.00087%); highest among the groups gnomAD compares: African/African-American, 0.0093%; no homozygotes.

Submissions (2):

Labcorp Genetics (formerly Invitae), Labcorp
Classification: Likely benign. Last evaluated: 2025-04-19. Review status: criteria provided, single submitter. Criteria: Invitae Variant Classification Sherloc (09022015). Collection method: clinical testing. Allele origin: germline.

PreventionGenetics, part of Exact Sciences
Classification: Likely benign for ADCY3-related condition. Last evaluated: 2024-09-13. Review status: no assertion criteria provided. Collection method: clinical testing. Allele origin: germline. Not counted in ClinVar's aggregate classification.
Comment: This variant is classified as likely benign based on ACMG/AMP sequence variant interpretation guidelines (Richards et al. 2015 PMID: 25741868, with internal and published modifications).